The following is an entry in ClinVar:

NM_001814.6(CTSC):c.328G>T (p.Glu110Ter)

Gene: CTSC (cathepsin C; minus strand). Cytogenetic location: 11q14.2.
Variant type: single nucleotide variant.
Coding change: c.328G>T on transcript NM_001814.6 (MANE Select); coding-DNA position 328, G replaced by T.
Protein change: p.Glu110Ter; replaces glutamic acid 110 with a stop codon.
Molecular consequence: nonsense.
Genome position (GRCh38, 1-based): chr11:88,312,545, C>A on the plus strand (G>T on the coding strand, the complement: CTSC is on the minus strand). VCF-style: chr11-88312545-C-A. GRCh37 (hg19) VCF-style: chr11-88045713-C-A.
Other names: short protein forms E110*.
Identifiers: ClinVar variation 2922681 (VCV002922681.3), dbSNP rs2496562331, ClinGen allele CA382027009.
Genomic context (GRCh38, chr11:88,312,545, plus strand): 5'-ACACATCATGCACCCACCCAGTCATTGTCTCGTTGCAGTAAGTGGTCACCTTGCTGCCCT[C>A]TTCTTTATACTGCAAACAAATAAGAGAAAAGAAAACCAAGTAAAATCTGTCTTCAAATTT-3'

ClinVar aggregate classification (germline): Pathogenic (1 of 4 stars; one submission).

Conditions:
Periodontitis, aggressive. Identifiers: MedGen C0031106, MONDO:0980757.
Papillon-Lefèvre syndrome (PALS). Also called: KERATOSIS PALMOPLANTARIS WITH PERIODONTOPATHIA; Papillon-Lefevre Disease. Identifiers: Orphanet 678, MedGen C0030360, MONDO:0009490, OMIM 245000.
Haim-Munk syndrome (HMS). Also called: COCHIN JEWISH DISORDER; KERATOSIS PALMOPLANTARIS WITH PERIODONTOPATHIA AND ONYCHOGRYPOSIS. Identifiers: Orphanet 2342, MedGen C1855627, MONDO:0009491, OMIM 245010.

Submission:

Labcorp Genetics (formerly Invitae), Labcorp
Classification: Pathogenic for Haim-Munk syndrome; Periodontitis, aggressive; Papillon-Lefèvre syndrome. Last evaluated: 2024-01-29. Review status: criteria provided, single submitter. Criteria: Invitae Variant Classification Sherloc (09022015). Collection method: clinical testing. Allele origin: germline.
Comment: This sequence change creates a premature translational stop signal (p.Glu110*) in the CTSC gene. It is expected to result in an absent or disrupted protein product. Loss-of-function variants in CTSC are known to be pathogenic (PMID: 10662808, 11106356, 11886537). This variant is not present in population databases (gnomAD no frequency). This variant has not been reported in the literature in individuals affected with CTSC-related conditions. For these reasons, this variant has been classified as Pathogenic.

Literature cited by the submitters: PubMed 10662808; PubMed 11106356; PubMed 11886537.